The following is an entry in ClinVar:

NM_003072.5(SMARCA4):c.4673_4675del (p.Thr1558del)

Gene: SMARCA4 (SWI/SNF related BAF chromatin remodeling complex subunit ATPase 4; plus strand). Cytogenetic location: 19p13.2.
Variant type: Deletion.
Coding change: c.4673_4675del on transcript NM_003072.5 (MANE Select); coding-DNA positions 4673 to 4675, 3 bases deleted (CCA; older notation c.4673_4675delCCA).
Protein change: p.Thr1558del; deletes threonine 1558.
Molecular consequence: inframe deletion. On other transcripts: non-coding transcript variant (1).
Genome position (GRCh38, 1-based): chr19:11,059,790-11,059,792, CCA deleted; deleting any 3 consecutive bases within chr19:11,059,788-11,059,792 gives the same sequence; the c. name uses the placement nearest the transcript's 3' end. VCF-style (leftmost placement, unchanged base first): chr19-11059787-TCAC-T. GRCh37 (hg19) VCF-style: chr19-11170463-TCAC-T.
Other names: c.4673_4675del, p.Thr1558del (NM_001128844.3); c.4583_4585del, p.Thr1528del (NM_001128845.2); c.4580_4582del, p.Thr1527del (NM_001128846.2); c.4574_4576del, p.Thr1525del (NM_001128847.4, NM_001374457.1); c.4571_4573del, p.Thr1524del (NM_001128848.2); c.4769_4771del, p.Thr1590del (NM_001128849.3); short protein forms T1527del, T1528del, T1525del, T1524del, T1558del, T1590del.
Identifiers: ClinVar variation 949291 (VCV000949291.9), dbSNP rs2076751615, ClinGen allele CA1139666238.

ClinVar aggregate classification (germline): Uncertain significance (1 of 4 stars; one submission).

Conditions:
Rhabdoid tumor predisposition syndrome 2 (RTPS2). Identifiers: Orphanet 231108, Orphanet 69077, MedGen C2750074, MONDO:0013224, OMIM 613325.

Submission:

Labcorp Genetics (formerly Invitae), Labcorp
Classification: Uncertain significance for Rhabdoid tumor predisposition syndrome 2. Last evaluated: 2019-06-14. Review status: criteria provided, single submitter. Criteria: Invitae Variant Classification Sherloc (09022015). Collection method: clinical testing. Allele origin: germline.
Comment: This variant is not present in population databases (ExAC no frequency). This variant, c.4769_4771del, results in the deletion of 1 amino acid(s) of the SMARCA4 protein (p.Thr1590del), but otherwise preserves the integrity of the reading frame. This variant has not been reported in the literature in individuals with SMARCA4-related conditions. In summary, the available evidence is currently insufficient to determine the role of this variant in disease. Therefore, it has been classified as a Variant of Uncertain Significance. Experimental studies and prediction algorithms are not available or were not evaluated for this variant, and the functional significance of the affected amino acid(s) is currently unknown.